The following is an entry in ClinVar:

NM_015378.4(VPS13D):c.10260T>C (p.Phe3420=)

Gene: VPS13D (vacuolar protein sorting 13 homolog D; plus strand). Cytogenetic location: 1p36.22.
Variant type: single nucleotide variant.
Coding change: c.10260T>C on transcript NM_015378.4 (MANE Select); coding-DNA position 10260, T replaced by C.
Protein change: p.Phe3420=; no amino-acid change (phenylalanine 3420 retained).
Molecular consequence: synonymous variant.
Genome position (GRCh38, 1-based): chr1:12,362,838, T>C. VCF-style: chr1-12362838-T-C. GRCh37 (hg19) VCF-style: chr1-12422894-T-C.
Other names: c.10185T>C, p.Phe3395= (NM_018156.4).
Identifiers: ClinVar variation 2638252 (VCV002638252.24), dbSNP rs777576092, ClinGen allele CA603637.

ClinVar aggregate classification (germline): Likely benign (1 of 4 stars; one submission).

Allele frequency attached by ClinVar (database versions not stated): gnomAD exomes below 0.00001; ExAC 0.00001.
gnomAD v4.1: 1 of 1,614,188 alleles (0.000062%); highest among the groups gnomAD compares: African/African-American, 0.0013%; no homozygotes.

Submission:

CeGaT Center for Human Genetics Tuebingen
Classification: Likely benign. Last evaluated: 2022-07-01. Review status: criteria provided, single submitter. Criteria: CeGaT Center For Human Genetics Tuebingen Variant Classification Criteria Version 2. Collection method: clinical testing. Allele origin: germline. Affected: yes. Observed: 1 variant allele.
Comment: VPS13D: BP4